The following is an entry in ClinVar:

ClinVar aggregate classification (germline): Uncertain significance (1 of 4 stars; one submission).

Conditions:
Methylmalonic acidemia due to transcobalamin receptor defect (MATR). Also called: METHYLMALONIC ACIDEMIA, TCblR TYPE; METHYLMALONIC ACIDURIA, TRANSIENT, DUE TO TRANSCOBALAMIN RECEPTOR DEFECT. Identifiers: Orphanet 280183, MedGen C4749905, MONDO:0013341, OMIM 613646.

gnomAD v4.1: 6 of 1,613,946 alleles (0.00037%); highest among the groups gnomAD compares: African/African-American, 0.0013%; no homozygotes.

Submission:

Labcorp Genetics (formerly Invitae), Labcorp
Classification: Uncertain significance for Methylmalonic acidemia due to transcobalamin receptor defect. Last evaluated: 2022-08-16. Review status: criteria provided, single submitter. Criteria: Invitae Variant Classification Sherloc (09022015). Collection method: clinical testing. Allele origin: germline.
Comment: This variant has not been reported in the literature in individuals affected with CD320-related conditions. In summary, the available evidence is currently insufficient to determine the role of this variant in disease. Therefore, it has been classified as a Variant of Uncertain Significance. Algorithms developed to predict the effect of missense changes on protein structure and function (SIFT, PolyPhen-2, Align-GVGD) all suggest that this variant is likely to be tolerated. ClinVar contains an entry for this variant (Variation ID: 1055816). This variant is not present in population databases (gnomAD no frequency). This sequence change replaces glycine, which is neutral and non-polar, with tryptophan, which is neutral and slightly polar, at codon 212 of the CD320 protein (p.Gly212Trp).

NM_016579.4(CD320):c.634G>T (p.Gly212Trp)

Gene: CD320 (CD320 molecule; minus strand). Cytogenetic location: 19p13.2.
Variant type: single nucleotide variant.
Coding change: c.634G>T on transcript NM_016579.4 (MANE Select); coding-DNA position 634, G replaced by T.
Protein change: p.Gly212Trp; replaces glycine 212 with tryptophan.
Molecular consequence: missense variant.
Genome position (GRCh38, 1-based): chr19:8,302,849, C>A on the plus strand (G>T on the coding strand, the complement: CD320 is on the minus strand). VCF-style: chr19-8302849-C-A. GRCh37 (hg19) VCF-style: chr19-8367733-C-A.
Other names: c.508G>T, p.Gly170Trp (NM_001165895.2); short protein forms G170W, G212W.
Identifiers: ClinVar variation 1055816 (VCV001055816.9), dbSNP rs550390075, ClinGen allele CA403709344.
Genomic context (GRCh38, chr19:8,302,849, plus strand): 5'-TAACCCCATAGGCAGTTGGGCTTCCAGACTGGTCTCCGGCAGAGGAGGATGTGGCATTCC[C>A]GACAGAGGGGACACTCTCCAGGGTCACAGGGGGCCCCATGGTTGTGGCATTCCTGAGAGA-3'
Protein context (NP_057663.1, residues 202-222): PVTLESVPSV[Gly212Trp]NATSSSAGDQ